The following is an entry in ClinVar:

ClinVar aggregate classification (germline): Uncertain significance (1 of 4 stars; one submission).

Conditions:
Complement component 3 deficiency. Identifiers: Orphanet 280133, MedGen C3151071, MONDO:0013417, OMIM 613779.
C3 glomerulonephritis. Also called: Nephropathy due to CFHR5 Deficiency; C3 GLOMERULOPATHY 3. Identifiers: Orphanet 329931, MedGen C4055342, MONDO:0013892, OMIM 614809.
Atypical hemolytic-uremic syndrome. Identifiers: Orphanet 2134, MedGen C2931788, MONDO:0016244.

Submission:

Genomenon, Inc
Classification: Uncertain significance for Complement component 3 deficiency; C3 glomerulonephritis; Atypical hemolytic-uremic syndrome. Last evaluated: 2025-09-30. Review status: criteria provided, single submitter. Criteria: Genomenon Sequence Variant Interpretation Standards. Collection method: curation. Allele origin: germline. Affected: no.
Comment: C3 p.Glu1012Gln (c.3034G>C) is a missense variant that changes the amino acid at residue 1012 from Glutamic acid to Glutamine. This variant has been reported in the published literature (PMID:9445402;9041627;1577777). It is absent or not present at a significant frequency in gnomAD. In silico models agree that this variant is possibly or probably damaging. In conclusion, we classify C3 p.Glu1012Gln (c.3034G>C) as a variant of unknown significance.

Literature cited by the submitters: PubMed 9445402; PubMed 9041627; PubMed 1577777.

NM_000064.4(C3):c.3034G>C (p.Glu1012Gln)

Gene: C3 (complement C3; minus strand). Cytogenetic location: 19p13.3.
Variant type: single nucleotide variant.
Coding change: c.3034G>C on transcript NM_000064.4 (MANE Select); coding-DNA position 3034, G replaced by C.
Protein change: p.Glu1012Gln; replaces glutamic acid 1012 with glutamine.
Molecular consequence: missense variant.
Genome position (GRCh38, 1-based): chr19:6,694,551, C>G on the plus strand (G>C on the coding strand, the complement: C3 is on the minus strand). VCF-style: chr19-6694551-C-G. GRCh37 (hg19) VCF-style: chr19-6694562-C-G.
Other names: short protein forms E1012Q.
Identifiers: ClinVar variation 4280178 (VCV004280178.1).